The following is an entry in ClinVar:

NM_003060.4(SLC22A5):c.1235G>A (p.Ser412Asn)

Gene: SLC22A5 (solute carrier family 22 member 5; plus strand). Cytogenetic location: 5q31.1.
Variant type: single nucleotide variant.
Coding change: c.1235G>A on transcript NM_003060.4 (MANE Select); coding-DNA position 1235, G replaced by A.
Protein change: p.Ser412Asn; replaces serine 412 with asparagine.
Molecular consequence: missense variant.
Genome position (GRCh38, 1-based): chr5:132,390,872, G>A. VCF-style: chr5-132390872-G-A. GRCh37 (hg19) VCF-style: chr5-131726564-G-A.
Other names: c.1307G>A, p.Ser436Asn (NM_001308122.2); short protein forms S412N, S436N.
Identifiers: ClinVar variation 1415821 (VCV001415821.6), dbSNP rs2126789869, ClinGen allele CA360807799.

ClinVar aggregate classification (germline): Uncertain significance (1 of 4 stars; one submission).

Conditions:
Renal carnitine transport defect (CDSP). Also called: Systemic primary carnitine deficiency; Primary carnitine deficiency; CARNITINE DEFICIENCY, SYSTEMIC, DUE TO DEFECT IN RENAL REABSORPTION OF CARNITINE; CARNITINE TRANSPORTER, PLASMA-MEMBRANE, DEFICIENCY OF; CARNITINE UPTAKE DEFECT; Carnitine transporter deficiency. Identifiers: Orphanet 158, MedGen C0342788, MONDO:0008919, OMIM 212140.

Submission:

Labcorp Genetics (formerly Invitae), Labcorp
Classification: Uncertain significance for Renal carnitine transport defect. Last evaluated: 2024-02-17. Review status: criteria provided, single submitter. Criteria: Invitae Variant Classification Sherloc (09022015). Collection method: clinical testing. Allele origin: germline.
Comment: This sequence change replaces serine, which is neutral and polar, with asparagine, which is neutral and polar, at codon 412 of the SLC22A5 protein (p.Ser412Asn). This variant is not present in population databases (gnomAD no frequency). This variant has not been reported in the literature in individuals affected with SLC22A5-related conditions. ClinVar contains an entry for this variant (Variation ID: 1415821). Advanced modeling of protein sequence and biophysical properties (such as structural, functional, and spatial information, amino acid conservation, physicochemical variation, residue mobility, and thermodynamic stability) performed at Invitae indicates that this missense variant is expected to disrupt SLC22A5 protein function with a positive predictive value of 80%. In summary, the available evidence is currently insufficient to determine the role of this variant in disease. Therefore, it has been classified as a Variant of Uncertain Significance.